The following is an entry in ClinVar:

ClinVar aggregate classification (germline): Uncertain significance (1 of 4 stars; one submission).

Conditions:
Complex cortical dysplasia with other brain malformations 2. Identifiers: MedGen C3809013, MONDO:0014116, OMIM 615282.

Submission:

Victorian Clinical Genetics Services, Murdoch Childrens Research Institute
Classification: Uncertain significance for Complex cortical dysplasia with other brain malformations 2. Last evaluated: 2022-09-02. Review status: criteria provided, single submitter. Criteria: ACMG Guidelines, 2015. Collection method: clinical testing. Allele origin: germline. Inheritance: Autosomal dominant inheritance. Affected: yes.
Comment: Based on the classification scheme VCGS_Germline_v1.3.4, this variant is classified as VUS-3C. Following criteria are met: 0105 - The mechanism of disease for this gene is not clearly established. (I) 0107 - This gene is associated with autosomal dominant disease. (I) 0200 - Variant is predicted to result in a missense amino acid change from glutamic acid to aspartic acid. (I) 0251 - This variant is heterozygous. (I) 0301 - Variant is absent from gnomAD (both v2 and v3). (SP) 0309 - An alternative amino acid change at the same position has been observed in gnomAD (v2) ( 1 heterozygote, 0 homozygotes). (I) 0502 - Missense variant with conflicting in silico predictions and uninformative conservation. (I) 0604 - Variant is not located in an established domain, motif, hotspot or informative constraint region. (I) 0705 - No comparable missense variants have previous evidence for pathogenicity. (I) 0807 - This variant has no previous evidence of pathogenicity. (I) 0905 - No published segregation evidence has been identified for this variant. (I) 1007 - No published functional evidence has been identified for this variant. (I) 1208 - Inheritance information for this variant is not currently available in this individual. (I) Legend: (SP) - Supporting pathogenic, (I) - Information, (SB) - Supporting benign

NM_004522.3(KIF5C):c.2640G>C (p.Glu880Asp)

Gene: KIF5C (kinesin family member 5C; plus strand). Cytogenetic location: 2q23.2.
Variant type: single nucleotide variant.
Coding change: c.2640G>C on transcript NM_004522.3 (MANE Select); coding-DNA position 2640, G replaced by C.
Protein change: p.Glu880Asp; replaces glutamic acid 880 with aspartic acid.
Molecular consequence: missense variant. On other transcripts: non-coding transcript variant (1).
Genome position (GRCh38, 1-based): chr2:149,010,224, G>C. VCF-style: chr2-149010224-G-C. GRCh37 (hg19) VCF-style: chr2-149866738-G-C.
Other names: short protein forms E880D.
Identifiers: ClinVar variation 1805970 (VCV001805970.1), dbSNP rs376124388, ClinGen allele CA348756444.